The following is an entry in ClinVar:

NM_001130987.2(DYSF):c.1852_1853del (p.Ala619fs)

Gene: DYSF (dysferlin; plus strand). Cytogenetic location: 2p13.2.
Variant type: Deletion.
Coding change: c.1852_1853del on transcript NM_001130987.2 (MANE Select); coding-DNA positions 1852 to 1853, 2 bases deleted (TC; older notation c.1852_1853delTC).
Protein change: p.Ala619fs; shifts the reading frame from alanine 619.
Molecular consequence: frameshift variant.
Genome position (GRCh38, 1-based): chr2:71,553,056-71,553,057, TC deleted; deleting any 2 consecutive bases within chr2:71,553,055-71,553,057 gives the same sequence; the c. name uses the placement nearest the transcript's 3' end. VCF-style (leftmost placement, unchanged base first): chr2-71553054-ACT-A. GRCh37 (hg19) VCF-style: chr2-71780184-ACT-A.
Other names: c.1801_1802del, p.Ala602fs (NM_001130455.2, NM_001130983.2); c.1756_1757del, p.Ala587fs (NM_001130976.2, NM_001130977.2); c.1798_1799del, p.Ala601fs (NM_001130978.2, NM_003494.4); c.1891_1892del, p.Ala632fs (NM_001130979.2); c.1849_1850del, p.Ala618fs (NM_001130980.2, NM_001130981.2); c.1894_1895del, p.Ala633fs (NM_001130982.2); c.1759_1760del, p.Ala588fs (NM_001130984.2, NM_001130986.2); c.1852_1853del, p.Ala619fs (NM_001130985.2); short protein forms A587fs, A588fs, A601fs, A602fs, A618fs, A619fs, A632fs, A633fs.
Identifiers: ClinVar variation 1724018 (VCV001724018.3), dbSNP rs2545685563, ClinGen allele CA2580067776.

ClinVar aggregate classification (germline): Likely pathogenic (1 of 4 stars; one submission).

Conditions:
Autosomal recessive limb-girdle muscular dystrophy. Identifiers: Orphanet 102015, MedGen C2931907, MONDO:0015152.

Submission:

Myriad Genetics, Inc.
Classification: Likely pathogenic for Autosomal recessive limb-girdle muscular dystrophy. Last evaluated: 2022-01-23. Review status: criteria provided, single submitter. Criteria: Myriad Autosomal Dominant, Autosomal Recessive and X-Linked Classification Criteria (2023). Collection method: clinical testing. Allele origin: unknown.
Comment: NM_003494.3(DYSF):c.1798_1799delTC(A601Hfs*8) is expected to be pathogenic in the context of dysferlinopathy. This variant is predicted to lead to an abnormal or absent protein product due to the creation of a premature termination codon in DYSF, a gene where loss-of-function variants are known to be pathogenic. Please note: this variant was assessed in the context of healthy population screening.